The following is an entry in ClinVar:

NM_014633.5(CTR9):c.3466T>A (p.Ser1156Thr)

Gene: CTR9 (CTR9 component of Paf1/RNA polymerase II complex; plus strand). Cytogenetic location: 11p15.4.
Variant type: single nucleotide variant.
Coding change: c.3466T>A on transcript NM_014633.5 (MANE Select); coding-DNA position 3466, T replaced by A.
Protein change: p.Ser1156Thr; replaces serine 1156 with threonine.
Molecular consequence: missense variant.
Genome position (GRCh38, 1-based): chr11:10,779,049, T>A. VCF-style: chr11-10779049-T-A. GRCh37 (hg19) VCF-style: chr11-10800596-T-A.
Other names: c.3394T>A, p.Ser1132Thr (NM_001346279.2); short protein forms S1132T, S1156T.
Identifiers: ClinVar variation 4753700 (VCV004753700.1).

ClinVar aggregate classification (germline): Uncertain significance (1 of 4 stars; one submission).

Submission:

Labcorp Genetics (formerly Invitae), Labcorp
Classification: Uncertain significance. Last evaluated: 2025-04-30. Review status: criteria provided, single submitter. Criteria: Invitae Variant Classification Sherloc (09022015). Collection method: clinical testing. Allele origin: germline.
Comment: This sequence change replaces serine, which is neutral and polar, with threonine, which is neutral and polar, at codon 1156 of the CTR9 protein (p.Ser1156Thr). This variant is not present in population databases (gnomAD no frequency). This variant has not been reported in the literature in individuals affected with CTR9-related conditions. An algorithm developed to predict the effect of missense changes on protein structure and function (PolyPhen-2) suggests that this variant is likely to be tolerated. In summary, the available evidence is currently insufficient to determine the role of this variant in disease. Therefore, it has been classified as a Variant of Uncertain Significance.